The following is an entry in ClinVar:

NM_021619.3(PRDM12):c.997C>T (p.His333Tyr)

Gene: PRDM12 (PR/SET domain 12; plus strand). Cytogenetic location: 9q34.12.
Variant type: single nucleotide variant.
Coding change: c.997C>T on transcript NM_021619.3 (MANE Select); coding-DNA position 997, C replaced by T.
Protein change: p.His333Tyr; replaces histidine 333 with tyrosine.
Molecular consequence: missense variant.
Genome position (GRCh38, 1-based): chr9:130,681,562, C>T. VCF-style: chr9-130681562-C-T. GRCh37 (hg19) VCF-style: chr9-133556949-C-T.
Other names: p.His333Tyr; short protein forms H333Y.
Identifiers: ClinVar variation 1768794 (VCV001768794.4), dbSNP rs1252670139, ClinGen allele CA375245143.
Genomic context (GRCh38, chr9:130,681,562, plus strand): 5'-GGCCTGCGCGCCCACCAGAAGAGCGCGCGGCACCGGCCGCCCAGCACCGCGCTGCAGGCA[C>T]ACTCGCCCGCGCTGCCCGCCCCGCACGCGCACGCGCCCGCGCTCGCCGCCGCCGCCGCCG-3'
Protein context (NP_067632.2, residues 323-343): HRPPSTALQA[His333Tyr]SPALPAPHAH

ClinVar aggregate classification (germline): Uncertain significance. Review status: criteria provided, multiple submitters, no conflicts (2 of 4 stars). 2 submissions from 2 submitters: Uncertain significance (2). Last evaluated 2025-02-27.

Conditions:
Inborn genetic diseases. Identifiers: MedGen C0950123, MeSH D030342.

Allele frequency attached by ClinVar (database versions not stated): gnomAD 0.00001; gnomAD exomes 0.00008.
gnomAD v4.1: 86 of 1,222,290 alleles (0.007%); highest among the groups gnomAD compares: Non-Finnish European, 0.0087%; no homozygotes.

Submissions (2):

Mayo Clinic Laboratories, Mayo Clinic
Classification: Uncertain significance. Last evaluated: 2025-02-27. Review status: criteria provided, single submitter. Criteria: ACMG Guidelines, 2015. Collection method: clinical testing. Allele origin: germline. Observed: 1 variant allele.
Comment: BP4, PM2_supporting

Ambry Genetics
Classification: Uncertain significance for Inborn genetic diseases. Last evaluated: 2025-01-29. Review status: criteria provided, single submitter. Criteria: Ambry Variant Classification Scheme 2023. Collection method: clinical testing. Allele origin: germline.